The following is an entry in ClinVar:

NM_198428.3(BBS9):c.1016+5G>T

Gene: BBS9 (Bardet-Biedl syndrome 9; plus strand). Cytogenetic location: 7p14.3.
Variant type: single nucleotide variant.
Coding change: c.1016+5G>T on transcript NM_198428.3 (MANE Select); 5 bases into the intron after coding-DNA position 1016, G replaced by T.
Molecular consequence: intron variant.
Genome position (GRCh38, 1-based): chr7:33,273,961, G>T. VCF-style: chr7-33273961-G-T. GRCh37 (hg19) VCF-style: chr7-33313573-G-T.
Other names: c.1016+5G>T (NM_001348036.1, NM_001362679.1, NM_001348041.4 and 5 more transcripts); c.743+5G>T (NM_001348038.3, NM_001348039.3); c.650+5G>T (NM_001348037.3, NM_001348045.3, NM_001348046.3 and 1 more transcripts); c.881+5G>T (NM_001348042.3).
Identifiers: ClinVar variation 1030982 (VCV001030982.1), dbSNP rs1800274291, ClinGen allele CA1698689531.

ClinVar aggregate classification (germline): Uncertain significance (1 of 4 stars; one submission).

Conditions:
Bardet-Biedl syndrome 9 (BBS9). Identifiers: Orphanet 110, MedGen C1859567, MONDO:0014437, OMIM 615986.

Submission:

Baylor Genetics
Classification: Uncertain significance for Bardet-Biedl syndrome 9. Last evaluated: 2020-06-03. Review status: criteria provided, single submitter. Criteria: ACMG Guidelines, 2015. Collection method: clinical testing. Allele origin: unknown. Affected: yes.
Comment: This variant was determined to be of uncertain significance according to ACMG Guidelines, 2015 [PMID:25741868].